The following is an entry in ClinVar:

NM_198578.4(LRRK2):c.3698G>A (p.Ser1233Asn)

Gene: LRRK2 (leucine rich repeat kinase 2; plus strand). Cytogenetic location: 12q12.
Variant type: single nucleotide variant.
Coding change: c.3698G>A on transcript NM_198578.4 (MANE Select); coding-DNA position 3698, G replaced by A.
Protein change: p.Ser1233Asn; replaces serine 1233 with asparagine.
Molecular consequence: missense variant.
Genome position (GRCh38, 1-based): chr12:40,304,055, G>A. VCF-style: chr12-40304055-G-A. GRCh37 (hg19) VCF-style: chr12-40697857-G-A.
Other names: short protein forms S1233N.
Identifiers: ClinVar variation 3229624 (VCV003229624.1), dbSNP rs2499781806, ClinGen allele CA384416754.

ClinVar aggregate classification (germline): Uncertain significance (1 of 4 stars; one submission).

Conditions:
Inborn genetic diseases. Identifiers: MedGen C0950123, MeSH D030342.

Allele frequency attached by ClinVar (database versions not stated): gnomAD exomes below 0.00001.

Submission:

Ambry Genetics
Classification: Uncertain significance for Inborn genetic diseases. Last evaluated: 2022-05-12. Review status: criteria provided, single submitter. Criteria: Ambry Variant Classification Scheme 2023. Collection method: clinical testing. Allele origin: germline.
Comment: The p.S1233N variant (also known as c.3698G>A), located in coding exon 27 of the LRRK2 gene, results from a G to A substitution at nucleotide position 3698. The serine at codon 1233 is replaced by asparagine, an amino acid with highly similar properties. This amino acid position is conserved. In addition, this alteration is predicted to be tolerated by in silico analysis. Since supporting evidence is limited at this time, the clinical significance of this alteration remains unclear.